The following is an entry in ClinVar:

NM_000051.4(ATM):c.1719G>T (p.Lys573Asn)

Gene: ATM (ATM serine/threonine kinase; plus strand). Cytogenetic location: 11q22.3.
Variant type: single nucleotide variant.
Coding change: c.1719G>T on transcript NM_000051.4 (MANE Select); coding-DNA position 1719, G replaced by T.
Protein change: p.Lys573Asn; replaces lysine 573 with asparagine.
Molecular consequence: missense variant.
Genome position (GRCh38, 1-based): chr11:108,251,948, G>T. VCF-style: chr11-108251948-G-T. GRCh37 (hg19) VCF-style: chr11-108122675-G-T.
Other names: c.1719G>T, p.Lys573Asn (NM_001351834.2); short protein forms K573N.
Identifiers: ClinVar variation 3716522 (VCV003716522.3).

ClinVar aggregate classification (germline): Uncertain significance. Review status: criteria provided, multiple submitters, no conflicts (2 of 4 stars). 2 submissions from 2 submitters: Uncertain significance (2). Last evaluated 2025-09-12.

Conditions:
Ataxia-telangiectasia syndrome (AT). Also called: ATAXIA-TELANGIECTASIA, COMPLEMENTATION GROUP A; ATAXIA-TELANGIECTASIA, FRESNO VARIANT; Ataxia-telangiectasia; Ataxia-telangiectasia, complementation group E; Ataxia telangiectasia (A-T); LOUIS-BAR SYNDROME. Identifiers: Orphanet 100, MedGen C0004135, MONDO:0008840, OMIM 208900.
Hereditary cancer-predisposing syndrome. Also called: Neoplastic Syndromes, Hereditary; Hereditary Cancer Syndrome; Hereditary neoplastic syndrome; Tumor predisposition. Identifiers: Orphanet 140162, MedGen C0027672, MeSH D009386, MONDO:0015356.

Submissions (2):

Ambry Genetics
Classification: Uncertain significance for Hereditary cancer-predisposing syndrome. Last evaluated: 2025-09-12. Review status: criteria provided, single submitter. Criteria: Ambry Variant Classification Scheme 2023. Collection method: clinical testing. Allele origin: germline.
Comment: The p.K573N variant (also known as c.1719G>T), located in coding exon 10 of the ATM gene, results from a G to T substitution at nucleotide position 1719. The lysine at codon 573 is replaced by asparagine, an amino acid with similar properties. This amino acid position is conserved. In addition, this alteration is predicted to be tolerated by in silico analysis. Based on the available evidence, the clinical significance of this variant remains unclear.

Labcorp Genetics (formerly Invitae), Labcorp
Classification: Uncertain significance for Ataxia-telangiectasia syndrome. Last evaluated: 2025-01-19. Review status: criteria provided, single submitter. Criteria: Invitae Variant Classification Sherloc (09022015). Collection method: clinical testing. Allele origin: germline.
Comment: This sequence change replaces lysine, which is basic and polar, with asparagine, which is neutral and polar, at codon 573 of the ATM protein (p.Lys573Asn). This variant is not present in population databases (gnomAD no frequency). This variant has not been reported in the literature in individuals affected with ATM-related conditions. Invitae Evidence Modeling of protein sequence and biophysical properties (such as structural, functional, and spatial information, amino acid conservation, physicochemical variation, residue mobility, and thermodynamic stability) indicates that this missense variant is not expected to disrupt ATM protein function with a negative predictive value of 95%. In summary, the available evidence is currently insufficient to determine the role of this variant in disease. Therefore, it has been classified as a Variant of Uncertain Significance.